The following is an entry in ClinVar:

ClinVar aggregate classification (germline): Uncertain significance (1 of 4 stars; one submission).

Conditions:
Ehlers-Danlos syndrome, classic type, 1 (EDSCL1). Also called: EHLERS-DANLOS SYNDROME, GRAVIS TYPE; EHLERS-DANLOS SYNDROME, SEVERE CLASSIC TYPE; Ehlers-Danlos syndrome, type 1; Ehlers-Danlos Syndrome, Classic Type, COL5A1-Related; EDS I. Identifiers: MedGen C0268335, MONDO:0019567, OMIM 130000.

gnomAD v4.1: 1 of 1,613,228 alleles (0.000062%); highest among the groups gnomAD compares: Non-Finnish European, 0.000085%; no homozygotes.

Submission:

Labcorp Genetics (formerly Invitae), Labcorp
Classification: Uncertain significance for Ehlers-Danlos syndrome, classic type, 1. Last evaluated: 2024-02-07. Review status: criteria provided, single submitter. Criteria: Invitae Variant Classification Sherloc (09022015). Collection method: clinical testing. Allele origin: germline.
Comment: This sequence change replaces glycine, which is neutral and non-polar, with serine, which is neutral and polar, at codon 300 of the COL5A2 protein (p.Gly300Ser). This variant is not present in population databases (gnomAD no frequency). This variant has not been reported in the literature in individuals affected with COL5A2-related conditions. Advanced modeling of protein sequence and biophysical properties (such as structural, functional, and spatial information, amino acid conservation, physicochemical variation, residue mobility, and thermodynamic stability) performed at Invitae indicates that this missense variant is expected to disrupt COL5A2 protein function with a positive predictive value of 80%. In summary, the available evidence is currently insufficient to determine the role of this variant in disease. Therefore, it has been classified as a Variant of Uncertain Significance.

NM_000393.5(COL5A2):c.898G>A (p.Gly300Ser)

Gene: COL5A2 (collagen type V alpha 2 chain; minus strand). Cytogenetic location: 2q32.2.
Variant type: single nucleotide variant.
Coding change: c.898G>A on transcript NM_000393.5 (MANE Select); coding-DNA position 898, G replaced by A.
Protein change: p.Gly300Ser; replaces glycine 300 with serine.
Molecular consequence: missense variant.
Genome position (GRCh38, 1-based): chr2:189,080,998, C>T on the plus strand (G>A on the coding strand, the complement: COL5A2 is on the minus strand). VCF-style: chr2-189080998-C-T. GRCh37 (hg19) VCF-style: chr2-189945724-C-T.
Other names: short protein forms G300S.
Identifiers: ClinVar variation 3625924 (VCV003625924.2).